The following is an entry in ClinVar:

NM_000487.6(ARSA):c.301G>C (p.Gly101Arg)

Gene: ARSA (arylsulfatase A; minus strand). Cytogenetic location: 22q13.33.
Variant type: single nucleotide variant.
Coding change: c.301G>C on transcript NM_000487.6 (MANE Select); coding-DNA position 301, G replaced by C.
Protein change: p.Gly101Arg; replaces glycine 101 with arginine.
Molecular consequence: missense variant.
Genome position (GRCh38, 1-based): chr22:50,627,330, C>G on the plus strand (G>C on the coding strand, the complement: ARSA is on the minus strand). VCF-style: chr22-50627330-C-G. GRCh37 (hg19) VCF-style: chr22-51065758-C-G.
Other names: c.301G>C, p.Gly101Arg (NM_001085425.3, NM_001085426.3, NM_001085427.3); c.43G>C, p.Gly15Arg (NM_001085428.3, NM_001362782.2); short protein forms G101R, G15R.
Identifiers: ClinVar variation 4847882 (VCV004847882.1).

ClinVar aggregate classification (germline): Uncertain significance (1 of 4 stars; one submission).

Submission:

Women's Health and Genetics/Laboratory Corporation of America, LabCorp
Classification: Uncertain significance. Last evaluated: 2026-02-11. Review status: criteria provided, single submitter. Criteria: LabCorp Variant Classification Summary - May 2015. Collection method: clinical testing. Allele origin: germline.
Comment: Variant summary: ARSA c.301G>C (p.Gly101Arg) results in a non-conservative amino acid change in the encoded protein sequence. Algorithms developed to predict the effect of missense changes on protein structure and function all suggest that this variant is likely to be disruptive. The variant was absent in 199368 control chromosomes. To our knowledge, no occurrence of c.301G>C in individuals affected with ARSA-related conditions and no experimental evidence demonstrating its impact on protein function have been reported. Multiple variants located at the same codon (c.302G>A, p.Gly101Asp; c.302G>T, p.Gly101Val) have been classified as Pathogenic/Likely Pathogenic by our lab, supporting a critical relevance of this residue to ARSA protein function. No submitters have cited clinical-significance assessments for this variant to ClinVar. Based on the evidence outlined above, the variant was classified as VUS-possibly pathogenic.